The following is an entry in ClinVar:

ClinVar aggregate classification (germline): Uncertain significance (1 of 4 stars; one submission).

gnomAD v4.1: 5 of 1,608,784 alleles (0.00031%); highest among the groups gnomAD compares: Non-Finnish European, 0.00043%; no homozygotes.

Submission:

GeneDx
Classification: Uncertain significance. Last evaluated: 2023-10-10. Review status: criteria provided, single submitter. Criteria: GeneDx Variant Classification Process June 2021. Collection method: clinical testing. Allele origin: germline. Affected: yes.
Comment: Not observed at significant frequency in large population cohorts (gnomAD); In silico analysis supports that this missense variant has a deleterious effect on protein structure/function; Has not been previously published as pathogenic or benign to our knowledge

NM_001378609.3(OTOGL):c.4675T>C (p.Ser1559Pro)

Gene: OTOGL (otogelin like; plus strand). Cytogenetic location: 12q21.31.
Variant type: single nucleotide variant.
Coding change: c.4675T>C on transcript NM_001378609.3 (MANE Select); coding-DNA position 4675, T replaced by C.
Protein change: p.Ser1559Pro; replaces serine 1559 with proline.
Molecular consequence: missense variant.
Genome position (GRCh38, 1-based): chr12:80,336,487, T>C. VCF-style: chr12-80336487-T-C. GRCh37 (hg19) VCF-style: chr12-80730267-T-C.
Other names: c.4540T>C, p.Ser1514Pro (NM_001368062.3); c.4675T>C, p.Ser1559Pro (NM_001378610.3, NM_173591.7); short protein forms S1514P, S1559P.
Identifiers: ClinVar variation 3252281 (VCV003252281.1), dbSNP rs776176651.
Genomic context (GRCh38, chr12:80,336,487, plus strand): 5'-TTGTCAGAACTGAGCATTATTACATTTGATGGAAACAACGCAGCATTATATAGCATGGCT[T>C]CTTATATCTTAGTAAGAATTCCTGGTGAAATTATAGTTGCTCATATCGAAAAATGTTCCA-3'
Protein context (NP_001365538.2, residues 1549-1569): GNNAALYSMA[Ser1559Pro]YILVRIPGEI